The following is an entry in ClinVar:

NM_002206.3(ITGA7):c.2958+56G>A

Gene: ITGA7 (integrin subunit alpha 7; minus strand). Cytogenetic location: 12q13.2.
Variant type: single nucleotide variant.
Coding change: c.2958+56G>A on transcript NM_002206.3 (MANE Select); 56 bases into the intron after coding-DNA position 2958, G replaced by A.
Molecular consequence: intron variant.
Genome position (GRCh38, 1-based): chr12:55,688,788, C>T on the plus strand (G>A on the coding strand, the complement: ITGA7 is on the minus strand). VCF-style: chr12-55688788-C-T. GRCh37 (hg19) VCF-style: chr12-56082572-C-T.
Other names: c.2679+56G>A (NM_001144997.2); c.2631+56G>A (NM_001367993.1); c.2619+56G>A (NM_001414035.1); c.2775+56G>A (NM_001414033.1); c.1614+56G>A (NM_001367994.1); c.2838+56G>A (NM_001414032.1); c.2871+56G>A (NM_001414031.1); c.2940+56G>A (NM_001374465.1); and 5 more.
Identifiers: ClinVar variation 670571 (VCV000670571.2), dbSNP rs117082867, ClinGen allele CA237561110.
Genomic context (GRCh38, chr12:55,688,788, plus strand): 5'-AAAAAAAAAGGGGGGGGATGCTGCATTTGGACAGTGAGGAAGGAGGAGGAGAAATGAGTC[C>T]TGGAGGGGCTTTGGAGGAAGAAGAAACACAGACTAGAGCCGAGTGGTATCCTCACCTCCA-3'

ClinVar aggregate classification (germline): Likely benign. Review status: criteria provided, multiple submitters, no conflicts (2 of 4 stars). 2 submissions from 2 submitters: Likely benign (2). Last evaluated 2018-06-16.

Allele frequency attached by ClinVar (database versions not stated): 1000 Genomes Project 0.00699; 1000 Genomes Project 30x 0.00718; TOPMed 0.01618; gnomAD 0.01946 and 0.01979; gnomAD exomes 0.02774.
gnomAD v4.1: 35,231 of 1,326,250 alleles (2.7%); highest among the groups gnomAD compares: Non-Finnish European, 3.1%; 602 homozygotes.

Submissions (2):

GeneDx
Classification: Likely benign. Last evaluated: 2018-06-16. Review status: criteria provided, single submitter. Criteria: GeneDx Variant Classification (06012015). Collection method: clinical testing. Allele origin: germline. Affected: yes.
Comment: This variant is considered likely benign or benign based on one or more of the following criteria: it is a conservative change, it occurs at a poorly conserved position in the protein, it is predicted to be benign by multiple in silico algorithms, and/or has population frequency not consistent with disease.

Breakthrough Genomics
Classification: Likely benign. Review status: criteria provided, single submitter. Criteria: ACMG Guidelines, 2015. Collection method: not provided. Allele origin: germline. Inheritance: Autosomal recessive inheritance. Affected: yes.